The following is an entry in ClinVar:

ClinVar aggregate classification (germline): Likely benign (1 of 4 stars; one submission).

Submission:

CeGaT Center for Human Genetics Tuebingen
Classification: Likely benign. Last evaluated: 2025-04-01. Review status: criteria provided, single submitter. Criteria: CeGaT Center For Human Genetics Tuebingen Variant Classification Criteria Version 2. Collection method: clinical testing. Allele origin: germline. Affected: yes. Observed: 1 variant allele.
Comment: MUC4: PM2:Supporting, BP4, BP7

NM_018406.7(MUC4):c.2973C>G (p.Thr991=)

Gene: MUC4 (mucin 4, cell surface associated). Cytogenetic location: 3q29.
Variant type: single nucleotide variant.
Coding change: c.2973C>G on transcript NM_018406.7 (MANE Select); coding-DNA position 2973, C replaced by G.
Protein change: p.Thr991=; no amino-acid change (threonine 991 retained).
Molecular consequence: synonymous variant. On other transcripts: intron variant (2).
Genome position (GRCh38, 1-based): chr3:195,788,607, G>C on the plus strand (C>G on the coding strand, the complement: MUC4 is on the minus strand). VCF-style: chr3-195788607-G-C. GRCh37 (hg19) VCF-style: chr3-195515478-G-C.
Other names: c.83-14302C>G (NM_138297.5); c.83-10152C>G (NM_004532.6).
Identifiers: ClinVar variation 3898716 (VCV003898716.7).